The following is an entry in ClinVar:

NM_005529.7(HSPG2):c.6288+1G>A

Gene: HSPG2 (heparan sulfate proteoglycan 2; minus strand). Cytogenetic location: 1p36.12.
Variant type: single nucleotide variant.
Coding change: c.6288+1G>A on transcript NM_005529.7 (MANE Select); the canonical splice donor site of the intron after coding-DNA position 6288, G replaced by A.
Molecular consequence: splice donor variant.
Genome position (GRCh38, 1-based): chr1:21,854,610, C>T on the plus strand (G>A on the coding strand, the complement: HSPG2 is on the minus strand). VCF-style: chr1-21854610-C-T. GRCh37 (hg19) VCF-style: chr1-22181103-C-T.
Other names: c.6291+1G>A (NM_001291860.2).
Identifiers: ClinVar variation 3896882 (VCV003896882.1).

ClinVar aggregate classification (germline): Likely pathogenic (1 of 4 stars; one submission).

Conditions:
Lethal Kniest-like syndrome (DDSH). Also called: Dyssegmental Dysplasia. Identifiers: Orphanet 1865, MedGen C1857100, MONDO:0009140, OMIM 224410.
Schwartz-Jampel syndrome type 1 (SJS1). Also called: MYOTONIC MYOPATHY, DWARFISM, CHONDRODYSTROPHY, AND OCULAR AND FACIAL ABNORMALITIES; CHONDRODYSTROPHIC MYOTONIA. Identifiers: MedGen C4551479, MONDO:0100435, OMIM 255800.

Submission:

Kariminejad - Najmabadi Pathology & Genetics Center
Classification: Likely pathogenic for Lethal Kniest-like syndrome; Schwartz-Jampel syndrome type 1. Last evaluated: 2023-08-07. Review status: criteria provided, single submitter. Criteria: ACMG Guidelines, 2015. Collection method: clinical testing. Allele origin: germline. Inheritance: Autosomal recessive inheritance. Affected: yes.
Comment: PVS1_very strong,PM2